The following is an entry in ClinVar:

ClinVar aggregate classification (germline): Uncertain significance (1 of 4 stars; one submission).

Conditions:
AFF4-related disorder. Also called: AFF4-related condition.

gnomAD v4.1: 7 of 1,614,108 alleles (0.00043%); highest among the groups gnomAD compares: African/African-American, 0.0013%; no homozygotes.

Submission:

PreventionGenetics, part of Exact Sciences
Classification: Uncertain significance for AFF4-related condition. Last evaluated: 2026-03-27. Review status: criteria provided, single submitter. Criteria: ACMG Guidelines, 2015. Collection method: clinical testing. Allele origin: germline.
Comment: The AFF4 c.1285A>G variant is predicted to result in the amino acid substitution p.Ser429Gly. To our knowledge, this variant has not been reported in the literature. This variant is reported in 0.0062% of alleles in individuals of African descent in gnomAD. At this time, the clinical significance of this variant is uncertain due to the absence of conclusive functional and genetic evidence.

NM_014423.4(AFF4):c.1285A>G (p.Ser429Gly)

Gene: AFF4 (ALF transcription elongation factor 4; minus strand). Cytogenetic location: 5q31.1.
Variant type: single nucleotide variant.
Coding change: c.1285A>G on transcript NM_014423.4 (MANE Select); coding-DNA position 1285, A replaced by G.
Protein change: p.Ser429Gly; replaces serine 429 with glycine.
Molecular consequence: missense variant.
Genome position (GRCh38, 1-based): chr5:132,898,334, T>C on the plus strand (A>G on the coding strand, the complement: AFF4 is on the minus strand). VCF-style: chr5-132898334-T-C. GRCh37 (hg19) VCF-style: chr5-132234026-T-C.
Other names: short protein forms S429G.
Identifiers: ClinVar variation 4985788 (VCV004985788.1).